The following is an entry in ClinVar:

ClinVar aggregate classification (germline): Likely pathogenic. Review status: criteria provided, single submitter (1 of 4 stars). 2 submissions from 2 submitters: Likely pathogenic (1). 1 of the submissions does not count toward it. Last evaluated 2021-11-30.

Conditions:
Primary hyperoxaluria, type I (HP1). Also called: GLYCOLIC ACIDURIA; HEPATIC AGT DEFICIENCY; OXALOSIS I; Primary hyperoxaluria type 1. Identifiers: Orphanet 416, Orphanet 93598, MedGen C0268164, MONDO:0009823, OMIM 259900. Disease mechanism: loss of function.

gnomAD v4.1: 1 of 1,613,404 alleles (0.000062%); highest among the groups gnomAD compares: Non-Finnish European, 0.000085%; no homozygotes.

Submissions (2):

Labcorp Genetics (formerly Invitae), Labcorp
Classification: Likely pathogenic. Last evaluated: 2021-11-30. Review status: criteria provided, single submitter. Criteria: Invitae Variant Classification Sherloc (09022015). Collection method: clinical testing. Allele origin: germline.
Comment: In summary, the currently available evidence indicates that the variant is pathogenic, but additional data are needed to prove that conclusively. Therefore, this variant has been classified as Likely Pathogenic. This variant disrupts the p.Arg233 amino acid residue in AGXT. Other variant(s) that disrupt this residue have been determined to be pathogenic (PMID: 9192270, 17495019, 18282470, 18448374, 18782763). This suggests that this residue is clinically significant, and that variants that disrupt this residue are likely to be disease-causing. Advanced modeling of protein sequence and biophysical properties (such as structural, functional, and spatial information, amino acid conservation, physicochemical variation, residue mobility, and thermodynamic stability) performed at Invitae indicates that this missense variant is expected to disrupt AGXT protein function. ClinVar contains an entry for this variant (Variation ID: 204123). This variant is not present in population databases (gnomAD no frequency). This missense change has been observed in individual(s) with hyperoxaluria (PMID: 15849466). This sequence change replaces arginine, which is basic and polar, with leucine, which is neutral and non-polar, at codon 233 of the AGXT protein (p.Arg233Leu).

Clinical Biochemistry Laboratory, Health Services Laboratory
Classification: Pathogenic for Primary hyperoxaluria, type I. Last evaluated: 2014-11-27. Review status: no assertion criteria provided. Collection method: research. Allele origin: germline. Affected: yes. Not counted in ClinVar's aggregate classification.

Literature cited by the submitters: PubMed 9192270 (cited by Labcorp Genetics (formerly Invitae), Labcorp); PubMed 17495019 (cited by Labcorp Genetics (formerly Invitae), Labcorp); PubMed 18282470 (cited by Labcorp Genetics (formerly Invitae), Labcorp); PubMed 18448374 (cited by Labcorp Genetics (formerly Invitae), Labcorp); PubMed 18782763 (cited by Labcorp Genetics (formerly Invitae), Labcorp); PubMed 15849466 (cited by Labcorp Genetics (formerly Invitae), Labcorp and Clinical Biochemistry Laboratory, Health Services Laboratory).

NM_000030.3(AGXT):c.698G>T (p.Arg233Leu)

Gene: AGXT (alanine--glyoxylate aminotransferase; plus strand). Cytogenetic location: 2q37.3.
Variant type: single nucleotide variant.
Coding change: c.698G>T on transcript NM_000030.3 (MANE Select); coding-DNA position 698, G replaced by T.
Protein change: p.Arg233Leu; replaces arginine 233 with leucine.
Molecular consequence: missense variant.
Genome position (GRCh38, 1-based): chr2:240,875,126, G>T. VCF-style: chr2-240875126-G-T. GRCh37 (hg19) VCF-style: chr2-241814543-G-T.
Other names: short protein forms R233L.
Identifiers: ClinVar variation 204123 (VCV000204123.7), dbSNP rs121908527, ClinGen allele CA275732.